The following is an entry in ClinVar:

NM_032043.3(BRIP1):c.38T>C (p.Val13Ala)

Gene: BRIP1 (BRCA1 interacting DNA helicase 1; minus strand). Cytogenetic location: 17q23.2.
Variant type: single nucleotide variant.
Coding change: c.38T>C on transcript NM_032043.3 (MANE Select); coding-DNA position 38, T replaced by C.
Protein change: p.Val13Ala; replaces valine 13 with alanine.
Molecular consequence: missense variant.
Genome position (GRCh38, 1-based): chr17:61,861,502, A>G on the plus strand (T>C on the coding strand, the complement: BRIP1 is on the minus strand). VCF-style: chr17-61861502-A-G. GRCh37 (hg19) VCF-style: chr17-59938863-A-G.
Other names: short protein forms V13A.
Identifiers: ClinVar variation 439030 (VCV000439030.3), dbSNP rs1555618729, ClinGen allele CA400486020.

ClinVar aggregate classification (germline): Uncertain significance. Review status: criteria provided, multiple submitters, no conflicts (2 of 4 stars). 2 submissions from 2 submitters: Uncertain significance (2). Last evaluated 2025-03-12.

Conditions:
Hereditary cancer-predisposing syndrome. Also called: Hereditary neoplastic syndrome; Hereditary Cancer Syndrome; Tumor predisposition; Neoplastic Syndromes, Hereditary. Identifiers: Orphanet 140162, MedGen C0027672, MeSH D009386, MONDO:0015356.

gnomAD v4.1: 2 of 1,613,348 alleles (0.00012%); highest among the groups gnomAD compares: Non-Finnish European, 0.00017%; no homozygotes.

Submissions (2):

Ambry Genetics
Classification: Uncertain significance for Hereditary cancer-predisposing syndrome. Last evaluated: 2025-03-12. Review status: criteria provided, single submitter. Criteria: Ambry Variant Classification Scheme 2023. Collection method: clinical testing. Allele origin: germline.
Comment: The p.V13A variant (also known as c.38T>C), located in coding exon 1 of the BRIP1 gene, results from a T to C substitution at nucleotide position 38. The valine at codon 13 is replaced by alanine, an amino acid with similar properties. This amino acid position is conserved. In addition, the in silico prediction for this alteration is inconclusive. Based on the available evidence, the clinical significance of this variant remains unclear.

Quest Diagnostics Nichols Institute San Juan Capistrano
Classification: Uncertain significance. Last evaluated: 2017-01-20. Review status: criteria provided, single submitter. Criteria: Quest Diagnostics criteria. Collection method: clinical testing. Allele origin: germline.